The following is an entry in ClinVar:

NM_000334.4(SCN4A):c.3425G>A (p.Arg1142Gln)

Genes: GH-LCR (growth hormone locus control region; plus strand), SCN4A (sodium voltage-gated channel alpha subunit 4; minus strand). Cytogenetic location: 17q23.3.
Variant type: single nucleotide variant.
Coding change: c.3425G>A on transcript NM_000334.4 (MANE Select); coding-DNA position 3425, G replaced by A.
Protein change: p.Arg1142Gln; replaces arginine 1142 with glutamine.
Molecular consequence: missense variant.
Genome position (GRCh38, 1-based): chr17:63,947,061, C>T on the plus strand (G>A on the coding strand, the complement: SCN4A is on the minus strand). VCF-style: chr17-63947061-C-T. GRCh37 (hg19) VCF-style: chr17-62024421-C-T.
Other names: short protein forms R1142Q.
Identifiers: ClinVar variation 477417 (VCV000477417.14), dbSNP rs780703403, ClinGen allele CA8709288.

ClinVar aggregate classification (germline): Pathogenic/Likely pathogenic. Review status: criteria provided, multiple submitters, no conflicts (2 of 4 stars). 3 submissions from 3 submitters: Pathogenic (1); Likely pathogenic (1). 1 of the submissions does not count toward it. Last evaluated 2024-06-29.

Conditions:
Congenital myopathy 22A, classic (CMYO22A). Identifiers: MedGen C5830453, MONDO:0957247, OMIM 620351.
Hyperkalemic periodic paralysis. Also called: Gamstorp disease; Familial hyperkalemic periodic paralysis. Identifiers: Orphanet 682, MedGen C0238357, MONDO:0008224, OMIM 170500, HP:0007215.

Allele frequency attached by ClinVar (database versions not stated): TOPMed below 0.00001.
gnomAD v4.1: 25 of 1,352,862 alleles (0.0018%); highest among the groups gnomAD compares: South Asian, 0.0057%; no homozygotes.

Submissions (3):

GeneDx
Classification: Likely pathogenic. Last evaluated: 2024-06-29. Review status: criteria provided, single submitter. Criteria: GeneDx Variant Classification Process June 2021. Collection method: clinical testing. Allele origin: germline. Affected: yes.
Comment: Not observed at significant frequency in large population cohorts (gnomAD); Published functional studies suggest a damaging effect [partial loss-of-function effects] (PMID: 30283817); In silico analysis supports that this missense variant has a deleterious effect on protein structure/function; This variant is associated with the following publications: (PMID: 30283817, 28262468, 38571618)

Labcorp Genetics (formerly Invitae), Labcorp
Classification: Pathogenic for Hyperkalemic periodic paralysis. Last evaluated: 2022-07-12. Review status: criteria provided, single submitter. Criteria: Invitae Variant Classification Sherloc (09022015). Collection method: clinical testing. Allele origin: germline.
Comment: This sequence change replaces arginine, which is basic and polar, with glutamine, which is neutral and polar, at codon 1142 of the SCN4A protein (p.Arg1142Gln). This variant is present in population databases (rs780703403, gnomAD 0.006%). This missense change has been observed in individuals with autosomal recessive congenital myopathy (PMID: 28262468, 30283817). It has also been observed to segregate with disease in related individuals. ClinVar contains an entry for this variant (Variation ID: 477417). Algorithms developed to predict the effect of missense changes on protein structure and function (SIFT, PolyPhen-2, Align-GVGD) all suggest that this variant is likely to be disruptive. Experimental studies have shown that this missense change affects SCN4A function (PMID: 28262468, 30283817). For these reasons, this variant has been classified as Pathogenic.

OMIM
Classification: Pathogenic for CONGENITAL MYOPATHY 22A, CLASSIC. Last evaluated: 2024-07-16. Review status: no assertion criteria provided. Collection method: literature only. Allele origin: germline. Not counted in ClinVar's aggregate classification.

Literature cited by the submitters: PubMed 28262468 (cited by Labcorp Genetics (formerly Invitae), Labcorp and OMIM); PubMed 30283817 (cited by Labcorp Genetics (formerly Invitae), Labcorp).